The following is an entry in ClinVar:

NM_017654.4(SAMD9):c.1938A>C (p.Glu646Asp)

Gene: SAMD9 (sterile alpha motif domain containing 9; minus strand). Cytogenetic location: 7q21.2.
Variant type: single nucleotide variant.
Coding change: c.1938A>C on transcript NM_017654.4 (MANE Select); coding-DNA position 1938, A replaced by C.
Protein change: p.Glu646Asp; replaces glutamic acid 646 with aspartic acid.
Molecular consequence: missense variant.
Genome position (GRCh38, 1-based): chr7:93,104,160, T>G on the plus strand (A>C on the coding strand, the complement: SAMD9 is on the minus strand). VCF-style: chr7-93104160-T-G. GRCh37 (hg19) VCF-style: chr7-92733473-T-G.
Other names: c.1938A>C, p.Glu646Asp (NM_001193307.2); short protein forms E646D.
Identifiers: ClinVar variation 3791915 (VCV003791915.1).

ClinVar aggregate classification (germline): Uncertain significance (1 of 4 stars; one submission).

Conditions:
Inborn genetic diseases. Identifiers: MedGen C0950123, MeSH D030342.

Submission:

Ambry Genetics
Classification: Uncertain significance for Inborn genetic diseases. Last evaluated: 2024-12-15. Review status: criteria provided, single submitter. Criteria: Ambry Variant Classification Scheme 2023. Collection method: clinical testing. Allele origin: germline.
Comment: The p.E646D variant (also known as c.1938A>C), located in coding exon 1 of the SAMD9 gene, results from an A to C substitution at nucleotide position 1938. The glutamic acid at codon 646 is replaced by aspartic acid, an amino acid with highly similar properties. This amino acid position is conserved. In addition, this alteration is predicted to be tolerated by in silico analysis. Based on the available evidence, the clinical significance of this variant remains unclear.